The following is an entry in ClinVar:

NM_053025.4(MYLK):c.1018A>G (p.Lys340Glu)

Gene: MYLK (myosin light chain kinase; minus strand). Cytogenetic location: 3q21.1.
Variant type: single nucleotide variant.
Coding change: c.1018A>G on transcript NM_053025.4 (MANE Select); coding-DNA position 1018, A replaced by G.
Protein change: p.Lys340Glu; replaces lysine 340 with glutamic acid.
Molecular consequence: missense variant.
Genome position (GRCh38, 1-based): chr3:123,733,978, T>C on the plus strand (A>G on the coding strand, the complement: MYLK is on the minus strand). VCF-style: chr3-123733978-T-C. GRCh37 (hg19) VCF-style: chr3-123452825-T-C.
Other names: p.Lys340Glu; c.1018A>G, p.Lys340Glu (NM_053026.4, NM_053027.4, NM_053028.4); c.490A>G, p.Lys164Glu (NM_001321309.2); c.1018A>G (NM_053025.3); short protein forms K164E, K340E.
Identifiers: ClinVar variation 2973116 (VCV002973116.6), dbSNP rs200322546, ClinGen allele CA82943032.

ClinVar aggregate classification (germline): Uncertain significance. Review status: criteria provided, multiple submitters, no conflicts (2 of 4 stars). 4 submissions from 4 submitters: Uncertain significance (4). Last evaluated 2026-05-24.

Conditions:
Familial thoracic aortic aneurysm and aortic dissection (TAAD). Also called: Thoracic aortic aneurysms and dissections. Identifiers: Orphanet 91387, MedGen C4707243, MONDO:0019625.
Aortic aneurysm, familial thoracic 7 (AAT7). Also called: AORTIC DISSECTION, FAMILIAL, WITH OR WITHOUT AORTIC ANEURYSM. Identifiers: MedGen C3151077, MONDO:0013418, OMIM 613780.

Allele frequency attached by ClinVar (database versions not stated): gnomAD 0.00001; gnomAD exomes 0.00001; TOPMed 0.00002.

Submissions (4):

Women's Health and Genetics/Laboratory Corporation of America, LabCorp
Classification: Uncertain significance. Last evaluated: 2026-05-24. Review status: criteria provided, single submitter. Criteria: LabCorp Variant Classification Summary - May 2015. Collection method: clinical testing. Allele origin: germline.

Labcorp Genetics (formerly Invitae), Labcorp
Classification: Uncertain significance for Aortic aneurysm, familial thoracic 7. Last evaluated: 2025-10-19. Review status: criteria provided, single submitter. Criteria: Invitae Variant Classification Sherloc (09022015). Collection method: clinical testing. Allele origin: germline.
Comment: This sequence change replaces lysine, which is basic and polar, with glutamic acid, which is acidic and polar, at codon 340 of the MYLK protein (p.Lys340Glu). This variant is present in population databases (rs200322546, gnomAD 0.004%). This variant has not been reported in the literature in individuals affected with MYLK-related conditions. ClinVar contains an entry for this variant (Variation ID: 2973116). Invitae Evidence Modeling of protein sequence and biophysical properties (such as structural, functional, and spatial information, amino acid conservation, physicochemical variation, residue mobility, and thermodynamic stability) indicates that this missense variant is not expected to disrupt MYLK protein function with a negative predictive value of 95%. In summary, the available evidence is currently insufficient to determine the role of this variant in disease. Therefore, it has been classified as a Variant of Uncertain Significance.

Mayo Clinic Laboratories, Mayo Clinic
Classification: Uncertain significance. Last evaluated: 2025-07-29. Review status: criteria provided, single submitter. Criteria: ACMG Guidelines, 2015. Collection method: clinical testing. Allele origin: germline. Observed: 1 variant allele.
Comment: BP4_moderate

Ambry Genetics
Classification: Uncertain significance for Familial thoracic aortic aneurysm and aortic dissection. Last evaluated: 2025-04-12. Review status: criteria provided, single submitter. Criteria: Ambry Variant Classification Scheme 2023. Collection method: clinical testing. Allele origin: germline.